The following is an entry in ClinVar:

NM_004958.4(MTOR):c.1697C>T (p.Ala566Val)

Gene: MTOR (mechanistic target of rapamycin kinase; minus strand). Cytogenetic location: 1p36.22.
Variant type: single nucleotide variant.
Coding change: c.1697C>T on transcript NM_004958.4 (MANE Select); coding-DNA position 1697, C replaced by T.
Protein change: p.Ala566Val; replaces alanine 566 with valine.
Molecular consequence: missense variant.
Genome position (GRCh38, 1-based): chr1:11,240,392, G>A on the plus strand (C>T on the coding strand, the complement: MTOR is on the minus strand). VCF-style: chr1-11240392-G-A. GRCh37 (hg19) VCF-style: chr1-11300449-G-A.
Other names: c.1697C>T, p.Ala566Val (NM_001386500.1); c.449C>T, p.Ala150Val (NM_001386501.1); short protein forms A566V, A150V.
Identifiers: ClinVar variation 1489634 (VCV001489634.6), dbSNP rs2100909653, ClinGen allele CA338392335.
Genomic context (GRCh38, chr1:11,240,392, plus strand): 5'-AGGGCAAGAGTGATGCTGCCCACATCGCTGGCCTCAGGGAGGGTCGTGAGGCCAGGAGAG[G>A]CCAGCTGATGGGCCAGGCCCTTGGGCATGCCTGGGTGGCGAAGGGGTTTGTGCATAAGGA-3'
Protein context (NP_004949.1, residues 556-576): GMPKGLAHQL[Ala566Val]SPGLTTLPEA

ClinVar aggregate classification (germline): Uncertain significance (1 of 4 stars; one submission).

Allele frequency attached by ClinVar (database versions not stated): gnomAD exomes 0.00001.
gnomAD v4.1: 5 of 1,614,254 alleles (0.00031%); highest among the groups gnomAD compares: Non-Finnish European, 0.00042%; no homozygotes.

Submission:

Labcorp Genetics (formerly Invitae), Labcorp
Classification: Uncertain significance. Last evaluated: 2024-01-02. Review status: criteria provided, single submitter. Criteria: Invitae Variant Classification Sherloc (09022015). Collection method: clinical testing. Allele origin: germline.
Comment: This sequence change replaces alanine, which is neutral and non-polar, with valine, which is neutral and non-polar, at codon 566 of the MTOR protein (p.Ala566Val). This variant is not present in population databases (gnomAD no frequency). This variant has not been reported in the literature in individuals affected with MTOR-related conditions. ClinVar contains an entry for this variant (Variation ID: 1489634). Advanced modeling of protein sequence and biophysical properties (such as structural, functional, and spatial information, amino acid conservation, physicochemical variation, residue mobility, and thermodynamic stability) performed at Invitae indicates that this missense variant is not expected to disrupt MTOR protein function with a negative predictive value of 95%. In summary, the available evidence is currently insufficient to determine the role of this variant in disease. Therefore, it has been classified as a Variant of Uncertain Significance.